The following is an entry in ClinVar:

NM_002661.5(PLCG2):c.1420G>A (p.Glu474Lys)

Gene: PLCG2 (phospholipase C gamma 2; plus strand). Cytogenetic location: 16q23.3.
Variant type: single nucleotide variant.
Coding change: c.1420G>A on transcript NM_002661.5 (MANE Select); coding-DNA position 1420, G replaced by A.
Protein change: p.Glu474Lys; replaces glutamic acid 474 with lysine.
Molecular consequence: missense variant.
Genome position (GRCh38, 1-based): chr16:81,905,460, G>A. VCF-style: chr16-81905460-G-A. GRCh37 (hg19) VCF-style: chr16-81939065-G-A.
Other names: short protein forms E474K.
Identifiers: ClinVar variation 1446758 (VCV001446758.9), dbSNP rs867345397, ClinGen allele CA285146942.

ClinVar aggregate classification (germline): Uncertain significance. Review status: criteria provided, multiple submitters, no conflicts (2 of 4 stars). 2 submissions from 2 submitters: Uncertain significance (2). Last evaluated 2024-02-11.

Conditions:
Familial cold autoinflammatory syndrome 3 (FCAS3). Also called: FAMILIAL ATYPICAL COLD URTICARIA; ANTIBODY DEFICIENCY AND IMMUNE DYSREGULATION, PLCG2-ASSOCIATED. Identifiers: Orphanet 300359, MedGen C3280914, MONDO:0013766, OMIM 614468.
Autoinflammation-PLCG2-associated antibody deficiency-immune dysregulation. Also called: Autoinflammation, antibody deficiency, and immune dysregulation, plcg2-associated; Autoinflammation, antibody deficiency, and immune dysregulation syndrome; AUTOINFLAMMATION, ANTIBODY DEFICIENCY, AND IMMUNE DYSREGULATION. Identifiers: Orphanet 324530, MedGen C3553961, MONDO:0013944, OMIM 614878.

Allele frequency attached by ClinVar (database versions not stated): TOPMed 0.00001.
gnomAD v4.1: 17 of 1,614,170 alleles (0.0011%); highest among the groups gnomAD compares: African/African-American, 0.0053%; no homozygotes.

Submissions (2):

Labcorp Genetics (formerly Invitae), Labcorp
Classification: Uncertain significance for Familial cold autoinflammatory syndrome 3. Last evaluated: 2024-02-11. Review status: criteria provided, single submitter. Criteria: Invitae Variant Classification Sherloc (09022015). Collection method: clinical testing. Allele origin: germline.
Comment: This sequence change replaces glutamic acid, which is acidic and polar, with lysine, which is basic and polar, at codon 474 of the PLCG2 protein (p.Glu474Lys). This variant is not present in population databases (gnomAD no frequency). This variant has not been reported in the literature in individuals affected with PLCG2-related conditions. ClinVar contains an entry for this variant (Variation ID: 1446758). An algorithm developed to predict the effect of missense changes on protein structure and function (PolyPhen-2) suggests that this variant is likely to be tolerated. In summary, the available evidence is currently insufficient to determine the role of this variant in disease. Therefore, it has been classified as a Variant of Uncertain Significance.

Fulgent Genetics
Classification: Uncertain significance for Familial cold autoinflammatory syndrome 3; Autoinflammation-PLCG2-associated antibody deficiency-immune dysregulation. Last evaluated: 2022-02-23. Review status: criteria provided, single submitter. Criteria: ACMG Guidelines, 2015. Collection method: clinical testing. Allele origin: unknown.